The following is an entry in ClinVar:

ClinVar aggregate classification (germline): Uncertain significance (1 of 4 stars; one submission).

Submission:

Labcorp Genetics (formerly Invitae), Labcorp
Classification: Uncertain significance. Last evaluated: 2023-12-27. Review status: criteria provided, single submitter. Criteria: Invitae Variant Classification Sherloc (09022015). Collection method: clinical testing. Allele origin: germline.
Comment: This sequence change replaces glutamine, which is neutral and polar, with proline, which is neutral and non-polar, at codon 410 of the MSN protein (p.Gln410Pro). This variant is not present in population databases (gnomAD no frequency). This variant has not been reported in the literature in individuals affected with MSN-related conditions. An algorithm developed to predict the effect of missense changes on protein structure and function (PolyPhen-2) suggests that this variant is likely to be disruptive. In summary, the available evidence is currently insufficient to determine the role of this variant in disease. Therefore, it has been classified as a Variant of Uncertain Significance.

NM_002444.3(MSN):c.1229A>C (p.Gln410Pro)

Gene: MSN (moesin; plus strand). Cytogenetic location: Xq12.
Variant type: single nucleotide variant.
Coding change: c.1229A>C on transcript NM_002444.3 (MANE Select); coding-DNA position 1229, A replaced by C.
Protein change: p.Gln410Pro; replaces glutamine 410 with proline.
Molecular consequence: missense variant.
Genome position (GRCh38, 1-based): chrX:65,737,316, A>C. VCF-style: chrX-65737316-A-C. GRCh37 (hg19) VCF-style: chrX-64957178-A-C.
Other names: short protein forms Q410P.
Identifiers: ClinVar variation 2705857 (VCV002705857.3), dbSNP rs2523018491, ClinGen allele CA413413546.
Genomic context (GRCh38, chrX:65,737,316, plus strand): 5'-CCAAGGAGCGTCAAGAAGCTGAAGAGGCCAAGGAGGCCTTGCTGCAGGCCTCCCGGGACC[A>C]GAAAAAGACTCAGGAACAGCTGGTAAAGCTGTAGGGTGGGCTGGGATTATGGGAACTGAA-3'
Protein context (NP_002435.1, residues 400-420): KEALLQASRD[Gln410Pro]KKTQEQLALE